The following is an entry in ClinVar:

NM_001170629.2(CHD8):c.7567A>G (p.Thr2523Ala)

Gene: CHD8 (chromodomain helicase DNA binding protein 8; minus strand). Cytogenetic location: 14q11.2.
Variant type: single nucleotide variant.
Coding change: c.7567A>G on transcript NM_001170629.2 (MANE Select); coding-DNA position 7567, A replaced by G.
Protein change: p.Thr2523Ala; replaces threonine 2523 with alanine.
Molecular consequence: missense variant.
Genome position (GRCh38, 1-based): chr14:21,385,792, T>C on the plus strand (A>G on the coding strand, the complement: CHD8 is on the minus strand). VCF-style: chr14-21385792-T-C. GRCh37 (hg19) VCF-style: chr14-21853951-T-C.
Other names: c.6730A>G, p.Thr2244Ala (NM_020920.4); short protein forms T2244A, T2523A.
Identifiers: ClinVar variation 3832860 (VCV003832860.2).

ClinVar aggregate classification (germline): Conflicting classifications of pathogenicity. Review status: criteria provided, conflicting classifications (1 of 4 stars). 2 submissions from 2 submitters: Uncertain significance (1); Likely benign (1). Last evaluated 2026-07-01.

Conditions:
Inborn genetic diseases. Identifiers: MedGen C0950123, MeSH D030342.

gnomAD v4.1: 43 of 1,544,634 alleles (0.0028%); highest among the groups gnomAD compares: Non-Finnish European, 0.0037%; no homozygotes.

Submissions (2):

CeGaT Center for Human Genetics Tuebingen
Classification: Likely benign. Last evaluated: 2026-07-01. Review status: criteria provided, single submitter. Criteria: CeGaT Center For Human Genetics Tuebingen Variant Classification Criteria Version 2. Collection method: clinical testing. Allele origin: germline. Affected: yes. Observed: 1 variant allele.
Comment: CHD8: BP4

Ambry Genetics
Classification: Uncertain significance for Inborn genetic diseases. Last evaluated: 2025-01-08. Review status: criteria provided, single submitter. Criteria: Ambry Variant Classification Scheme 2023. Collection method: clinical testing. Allele origin: germline.